The following is an entry in ClinVar:

NC_000016.9:g.(?_89334886)_(89341619_?)del

Gene: ANKRD11 (ankyrin repeat domain 11; minus strand). Cytogenetic location: 16q24.3.
Variant type: Deletion.
Identifiers: ClinVar variation 3243327 (VCV003243327.1).

ClinVar aggregate classification (germline): Pathogenic (1 of 4 stars; one submission).

Conditions:
KBG syndrome (KBGS). Also called: ANKRD11-Related KBG Syndrome. Identifiers: Orphanet 2332, MedGen C0220687, MONDO:0007846, OMIM 148050.

Submission:

Labcorp Genetics (formerly Invitae), Labcorp
Classification: Pathogenic for KBG syndrome. Last evaluated: 2023-08-17. Review status: criteria provided, single submitter. Criteria: Invitae Variant Classification Sherloc (09022015). Collection method: clinical testing. Allele origin: unknown.
Comment: This variant is a gross deletion of the genomic region encompassing exon(s) 10-13 of the ANKRD11 gene, which includes the termination codon. This deletion extends beyond the assayed region for this gene and therefore may encompass additional genes. While this deletion is not anticipated to lead to nonsense mediated decay, it is expected to alter mRNA translation or result in a truncated protein product. This variant has not been reported in the literature in individuals affected with ANKRD11-related conditions. This variant disrupts a region of the ANKRD11 protein in which other variant(s) (p. Gln2625Argfs*16) have been determined to be pathogenic (PMID: 34971082). This suggests that this is a clinically significant region of the protein, and that variants that disrupt it are likely to be disease-causing. For these reasons, this variant has been classified as Pathogenic.

Literature cited by the submitters: PubMed 34971082.